The following is an entry in ClinVar:

ClinVar aggregate classification (germline): Uncertain significance (1 of 4 stars; one submission).

Allele frequency attached by ClinVar (database versions not stated): gnomAD exomes below 0.00001; ExAC 0.00001; gnomAD 0.00001; ESP Exome Variant Server 0.00008.
gnomAD v4.1: 3 of 1,608,550 alleles (0.00019%); highest among the groups gnomAD compares: Non-Finnish European, 0.00026%; no homozygotes.

Submission:

Labcorp Genetics (formerly Invitae), Labcorp
Classification: Uncertain significance. Last evaluated: 2022-05-25. Review status: criteria provided, single submitter. Criteria: Invitae Variant Classification Sherloc (09022015). Collection method: clinical testing. Allele origin: germline.
Comment: In summary, the available evidence is currently insufficient to determine the role of this variant in disease. Therefore, it has been classified as a Variant of Uncertain Significance. Algorithms developed to predict the effect of missense changes on protein structure and function (SIFT, PolyPhen-2, Align-GVGD) all suggest that this variant is likely to be tolerated. This variant has not been reported in the literature in individuals affected with CCDC88A-related conditions. This variant is present in population databases (rs374942394, gnomAD 0.0009%). This sequence change replaces glutamic acid, which is acidic and polar, with lysine, which is basic and polar, at codon 1030 of the CCDC88A protein (p.Glu1030Lys).

NM_001365480.1(CCDC88A):c.3091G>A (p.Glu1031Lys)

Gene: CCDC88A (coiled-coil and HOOK domain protein 88A; minus strand). Cytogenetic location: 2p16.1.
Variant type: single nucleotide variant.
Coding change: c.3091G>A on transcript NM_001365480.1 (MANE Select); coding-DNA position 3091, G replaced by A.
Protein change: p.Glu1031Lys; replaces glutamic acid 1031 with lysine.
Molecular consequence: missense variant.
Genome position (GRCh38, 1-based): chr2:55,322,599, C>T on the plus strand (G>A on the coding strand, the complement: CCDC88A is on the minus strand). VCF-style: chr2-55322599-C-T. GRCh37 (hg19) VCF-style: chr2-55549735-C-T.
Other names: c.3088G>A, p.Glu1030Lys (NM_001135597.2, NM_001254943.2); c.3091G>A, p.Glu1031Lys (NM_018084.5); short protein forms E1031K, E1030K.
Identifiers: ClinVar variation 1998505 (VCV001998505.4), dbSNP rs374942394, ClinGen allele CA1665845.